The following is an entry in ClinVar:

ClinVar aggregate classification (germline): Likely benign. Review status: criteria provided, multiple submitters, no conflicts (2 of 4 stars). 2 submissions from 2 submitters: Likely benign (2). Last evaluated 2025-08-25.

Allele frequency attached by ClinVar (database versions not stated): gnomAD exomes below 0.00001; gnomAD 0.00002; TOPMed 0.00004.
gnomAD v4.1: 5 of 1,613,580 alleles (0.00031%); highest among the groups gnomAD compares: African/African-American, 0.0027%; no homozygotes.

Submissions (2):

Labcorp Genetics (formerly Invitae), Labcorp
Classification: Likely benign. Last evaluated: 2025-08-25. Review status: criteria provided, single submitter. Criteria: Invitae Variant Classification Sherloc (09022015). Collection method: clinical testing. Allele origin: germline.

GeneDx
Classification: Likely benign. Last evaluated: 2016-08-17. Review status: criteria provided, single submitter. Criteria: GeneDx Variant Classification (06012015). Collection method: clinical testing. Allele origin: germline. Affected: yes.
Comment: This variant is considered likely benign or benign based on one or more of the following criteria: it is a conservative change, it occurs at a poorly conserved position in the protein, it is predicted to be benign by multiple in silico algorithms, and/or has population frequency not consistent with disease.

NM_006231.4(POLE):c.6137-7C>T

Gene: POLE (DNA polymerase epsilon, catalytic subunit; minus strand). Cytogenetic location: 12q24.33.
Variant type: single nucleotide variant.
Coding change: c.6137-7C>T on transcript NM_006231.4 (MANE Select); 7 bases into the intron before coding-DNA position 6137, C replaced by T.
Molecular consequence: intron variant.
Genome position (GRCh38, 1-based): chr12:132,632,515, G>A on the plus strand (C>T on the coding strand, the complement: POLE is on the minus strand). VCF-style: chr12-132632515-G-A. GRCh37 (hg19) VCF-style: chr12-133209101-G-A.
Identifiers: ClinVar variation 388710 (VCV000388710.11), dbSNP rs1057523210, ClinGen allele CA16606496.